The following is an entry in ClinVar:

ClinVar aggregate classification (germline): Uncertain significance. Review status: criteria provided, multiple submitters, no conflicts (2 of 4 stars). 3 submissions from 3 submitters: Uncertain significance (3). Last evaluated 2025-09-01.

Conditions:
Emery-Dreifuss muscular dystrophy 5, autosomal dominant (EDMD5). Also called: EMERY-DREIFUSS MUSCULAR DYSTROPHY 5. Identifiers: Orphanet 261, MedGen C2751805, MONDO:0013072, OMIM 612999.

Allele frequency attached by ClinVar (database versions not stated): gnomAD 0.00004; TOPMed 0.00004.
gnomAD v4.1: 37 of 1,613,200 alleles (0.0023%); highest among the groups gnomAD compares: Middle Eastern, 0.018%; no homozygotes.

Submissions (3):

Labcorp Genetics (formerly Invitae), Labcorp
Classification: Uncertain significance for Emery-Dreifuss muscular dystrophy 5, autosomal dominant. Last evaluated: 2025-09-01. Review status: criteria provided, single submitter. Criteria: Invitae Variant Classification Sherloc (09022015). Collection method: clinical testing. Allele origin: germline.
Comment: This sequence change replaces leucine, which is neutral and non-polar, with phenylalanine, which is neutral and non-polar, at codon 783 of the SYNE2 protein (p.Leu783Phe). This variant is present in population databases (rs766796829, gnomAD 0.01%). This variant has not been reported in the literature in individuals affected with SYNE2-related conditions. ClinVar contains an entry for this variant (Variation ID: 653046). An algorithm developed to predict the effect of missense changes on protein structure and function (PolyPhen-2) suggests that this variant is likely to be disruptive. In summary, the available evidence is currently insufficient to determine the role of this variant in disease. Therefore, it has been classified as a Variant of Uncertain Significance.

Ambry Genetics
Classification: Uncertain significance. Last evaluated: 2025-08-04. Review status: criteria provided, single submitter. Criteria: Ambry Variant Classification Scheme 2023. Collection method: clinical testing. Allele origin: germline.

Revvity Omics, Revvity
Classification: Uncertain significance for Emery-Dreifuss muscular dystrophy 5, autosomal dominant. Last evaluated: 2020-10-19. Review status: criteria provided, single submitter. Criteria: ACMG Guidelines, 2015. Collection method: clinical testing. Allele origin: germline.

NM_182914.3(SYNE2):c.2347C>T (p.Leu783Phe)

Gene: SYNE2 (spectrin repeat containing nuclear envelope protein 2; plus strand). Cytogenetic location: 14q23.2.
Variant type: single nucleotide variant.
Coding change: c.2347C>T on transcript NM_182914.3 (MANE Select); coding-DNA position 2347, C replaced by T.
Protein change: p.Leu783Phe; replaces leucine 783 with phenylalanine.
Molecular consequence: missense variant.
Genome position (GRCh38, 1-based): chr14:63,990,444, C>T. VCF-style: chr14-63990444-C-T. GRCh37 (hg19) VCF-style: chr14-64457162-C-T.
Other names: c.2347C>T, p.Leu783Phe (NM_015180.6); short protein forms L783F.
Identifiers: ClinVar variation 653046 (VCV000653046.14), dbSNP rs766796829, ClinGen allele CA7219669.